The following is an entry in ClinVar:

ClinVar aggregate classification (germline): Uncertain significance (1 of 4 stars; one submission).

Submission:

Labcorp Genetics (formerly Invitae), Labcorp
Classification: Uncertain significance. Last evaluated: 2022-05-07. Review status: criteria provided, single submitter. Criteria: Invitae Variant Classification Sherloc (09022015). Collection method: clinical testing. Allele origin: germline.
Comment: This sequence change falls in intron 6 of the SLC34A1 gene. It does not directly change the encoded amino acid sequence of the SLC34A1 protein. It affects a nucleotide within the consensus splice site. In summary, the available evidence is currently insufficient to determine the role of this variant in disease. Therefore, it has been classified as a Variant of Uncertain Significance. Variants that disrupt the consensus splice site are a relatively common cause of aberrant splicing (PMID: 17576681, 9536098). Algorithms developed to predict the effect of sequence changes on RNA splicing suggest that this variant may disrupt the consensus splice site. This variant has not been reported in the literature in individuals affected with SLC34A1-related conditions. The frequency data for this variant in the population databases is considered unreliable, as metrics indicate poor data quality at this position in the gnomAD database.

Literature cited by the submitters: PubMed 17576681; PubMed 9536098.

NM_003052.5(SLC34A1):c.644+4A>G

Gene: SLC34A1 (solute carrier family 34 member 1; plus strand). Cytogenetic location: 5q35.3.
Variant type: single nucleotide variant.
Coding change: c.644+4A>G on transcript NM_003052.5 (MANE Select); 4 bases into the intron after coding-DNA position 644, A replaced by G.
Molecular consequence: intron variant.
Genome position (GRCh38, 1-based): chr5:177,387,877, A>G. VCF-style: chr5-177387877-A-G. GRCh37 (hg19) VCF-style: chr5-176814878-A-G.
Other names: c.644+4A>G (NM_001167579.2).
Identifiers: ClinVar variation 2040727 (VCV002040727.2), dbSNP rs1467075550, ClinGen allele CA564491973.